The following is an entry in ClinVar:

NM_005630.3(SLCO2A1):c.1873A>T (p.Ser625Cys)

Gene: SLCO2A1 (solute carrier organic anion transporter family member 2A1; minus strand). Cytogenetic location: 3q22.1.
Variant type: single nucleotide variant.
Coding change: c.1873A>T on transcript NM_005630.3 (MANE Select); coding-DNA position 1873, A replaced by T.
Protein change: p.Ser625Cys; replaces serine 625 with cysteine.
Molecular consequence: missense variant.
Genome position (GRCh38, 1-based): chr3:133,934,772, T>A on the plus strand (A>T on the coding strand, the complement: SLCO2A1 is on the minus strand). VCF-style: chr3-133934772-T-A. GRCh37 (hg19) VCF-style: chr3-133653616-T-A.
Other names: short protein forms S625C.
Identifiers: ClinVar variation 1718562 (VCV001718562.5), dbSNP rs2530950335, ClinGen allele CA354615079.
Genomic context (GRCh38, chr3:133,934,772, plus strand): 5'-GTCAGATGAGGCCTGCCGCCTTCTGCACGTTGTACTCCTTGTTCTTCTTCACCCTCCAGC[T>A]GATGAAGCAAAGCAGCAGCATGCCCAGCGCCTTGTAGCCCATCTGCAGGCCCAGGTACCT-3'
Protein context (NP_005621.2, residues 615-635): ALGMLLLCFI[Ser625Cys]WRVKKNKEYN

ClinVar aggregate classification (germline): Uncertain significance (1 of 4 stars; one submission).

Submission:

Labcorp Genetics (formerly Invitae), Labcorp
Classification: Uncertain significance. Last evaluated: 2023-08-17. Review status: criteria provided, single submitter. Criteria: Invitae Variant Classification Sherloc (09022015). Collection method: clinical testing. Allele origin: germline.
Comment: In summary, the available evidence is currently insufficient to determine the role of this variant in disease. Therefore, it has been classified as a Variant of Uncertain Significance. Advanced modeling of protein sequence and biophysical properties (such as structural, functional, and spatial information, amino acid conservation, physicochemical variation, residue mobility, and thermodynamic stability) performed at Invitae indicates that this missense variant is not expected to disrupt SLCO2A1 protein function. ClinVar contains an entry for this variant (Variation ID: 1718562). This variant has not been reported in the literature in individuals affected with SLCO2A1-related conditions. This variant is not present in population databases (gnomAD no frequency). This sequence change replaces serine, which is neutral and polar, with cysteine, which is neutral and slightly polar, at codon 625 of the SLCO2A1 protein (p.Ser625Cys).